The following is an entry in ClinVar:

ClinVar aggregate classification (germline): Uncertain significance (1 of 4 stars; one submission).

Allele frequency attached by ClinVar (database versions not stated): gnomAD exomes below 0.00001.
gnomAD v4.1: 5 of 1,608,158 alleles (0.00031%); highest among the groups gnomAD compares: Non-Finnish European, 0.00042%; no homozygotes.

Submission:

Labcorp Genetics (formerly Invitae), Labcorp
Classification: Uncertain significance. Last evaluated: 2023-08-07. Review status: criteria provided, single submitter. Criteria: Invitae Variant Classification Sherloc (09022015). Collection method: clinical testing. Allele origin: germline.
Comment: An algorithm developed to predict the effect of missense changes on protein structure and function (PolyPhen-2) suggests that this variant is likely to be disruptive. In summary, the available evidence is currently insufficient to determine the role of this variant in disease. Therefore, it has been classified as a Variant of Uncertain Significance. This variant has not been reported in the literature in individuals affected with ANXA11-related conditions. This sequence change replaces lysine, which is basic and polar, with glutamic acid, which is acidic and polar, at codon 243 of the ANXA11 protein (p.Lys243Glu). This variant is not present in population databases (gnomAD no frequency).

NM_145868.2(ANXA11):c.727A>G (p.Lys243Glu)

Gene: ANXA11 (annexin A11; minus strand). Cytogenetic location: 10q22.3.
Variant type: single nucleotide variant.
Coding change: c.727A>G on transcript NM_145868.2 (MANE Select); coding-DNA position 727, A replaced by G.
Protein change: p.Lys243Glu; replaces lysine 243 with glutamic acid.
Molecular consequence: missense variant.
Genome position (GRCh38, 1-based): chr10:80,166,907, T>C on the plus strand (A>G on the coding strand, the complement: ANXA11 is on the minus strand). VCF-style: chr10-80166907-T-C. GRCh37 (hg19) VCF-style: chr10-81926663-T-C.
Other names: c.727A>G, p.Lys243Glu (NM_001157.3, NM_001278407.2, NM_001278408.2 and 1 more transcripts); c.628A>G, p.Lys210Glu (NM_001278409.2); short protein forms K243E, K210E.
Identifiers: ClinVar variation 2988317 (VCV002988317.3), dbSNP rs1845762925, ClinGen allele CA377367376.